The following is an entry in ClinVar:

ClinVar aggregate classification (germline): Uncertain significance (1 of 4 stars; one submission).

Conditions:
Warts, hypogammaglobulinemia, infections, and myelokathexis. Also called: WHIM syndrome. Identifiers: MedGen C0472817, MONDO:0023880.

Submission:

Labcorp Genetics (formerly Invitae), Labcorp
Classification: Uncertain significance for Warts, hypogammaglobulinemia, infections, and myelokathexis. Last evaluated: 2022-01-13. Review status: criteria provided, single submitter. Criteria: Invitae Variant Classification Sherloc (09022015). Collection method: clinical testing. Allele origin: germline.
Comment: In summary, the available evidence is currently insufficient to determine the role of this variant in disease. Therefore, it has been classified as a Variant of Uncertain Significance. Algorithms developed to predict the effect of sequence changes on RNA splicing suggest that this variant may create or strengthen a splice site. This variant has not been reported in the literature in individuals affected with CXCR4-related conditions. This variant is not present in population databases (gnomAD no frequency). This sequence change creates a premature translational stop signal (p.Gln272*) in the CXCR4 gene. While this is not anticipated to result in nonsense mediated decay, it is expected to disrupt the last 81 amino acid(s) of the CXCR4 protein.

NM_003467.3(CXCR4):c.814C>T (p.Gln272Ter)

Gene: CXCR4 (C-X-C motif chemokine receptor 4; minus strand). Cytogenetic location: 2q22.1.
Variant type: single nucleotide variant.
Coding change: c.814C>T on transcript NM_003467.3 (MANE Select); coding-DNA position 814, C replaced by T.
Protein change: p.Gln272Ter; replaces glutamine 272 with a stop codon.
Molecular consequence: nonsense.
Genome position (GRCh38, 1-based): chr2:136,115,114, G>A on the plus strand (C>T on the coding strand, the complement: CXCR4 is on the minus strand). VCF-style: chr2-136115114-G-A. GRCh37 (hg19) VCF-style: chr2-136872684-G-A.
Other names: c.826C>T, p.Gln276Ter (NM_001008540.2); c.1027C>T, p.Gln343Ter (NM_001348056.2); c.913C>T, p.Gln305Ter (NM_001348059.2); c.769C>T, p.Gln257Ter (NM_001348060.2); short protein forms Q343*, Q305*, Q257*, Q272*, Q276*.
Identifiers: ClinVar variation 1412077 (VCV001412077.6), dbSNP rs2104915939, ClinGen allele CA348657913.